The following is an entry in ClinVar:

NM_007294.4(BRCA1):c.4852del (p.His1618fs)

Gene: BRCA1 (BRCA1 DNA repair associated; minus strand). Cytogenetic location: 17q21.31.
Variant type: Deletion.
Coding change: c.4852del on transcript NM_007294.4 (MANE Select); coding-DNA position 4852, one base deleted (C; older notation c.4852delC).
Protein change: p.His1618fs; shifts the reading frame from histidine 1618.
Molecular consequence: frameshift variant. On other transcripts: intron variant (1).
Genome position (GRCh38, 1-based): chr17:43,071,062, G deleted on the plus strand (C on the coding strand, the reverse complement: BRCA1 is on the minus strand). VCF-style (leftmost placement, unchanged base first): chr17-43071061-TG-T. GRCh37 (hg19) VCF-style: chr17-41223078-TG-T.
Other names: c.1339del, p.His447fs (NM_001408476.1, NM_001408475.1); c.4849del, p.His1617fs (NM_001407858.1, NM_001407859.1, NM_001407860.1 and 17 more transcripts); c.1333del, p.His445fs (NM_001408478.1, NM_001408479.1, NM_001408480.1); c.4846del, p.His1616fs (NM_001407861.1, NM_001407627.1, NM_001407628.1 and 14 more transcripts); c.4651del, p.His1551fs (NM_001407862.1); c.1330del, p.His444fs (NM_001408481.1, NM_001408482.1, NM_001408483.1 and 5 more transcripts); c.4726del, p.His1576fs (NM_001407863.1, NM_001407670.1, NM_001407671.1 and 11 more transcripts); c.4645del, p.His1549fs (NM_001407874.1, NM_001407875.1); and 71 more; short protein forms H1464fs, H1491fs, H1505fs, H1528fs, H1529fs, H1549fs, H1575fs, H1576fs.
Identifiers: ClinVar variation 4215125 (VCV004215125.1).

ClinVar aggregate classification (germline): Pathogenic (1 of 4 stars; one submission).

Conditions:
Hereditary cancer-predisposing syndrome. Also called: Neoplastic Syndromes, Hereditary; Tumor predisposition; Hereditary Cancer Syndrome; Hereditary neoplastic syndrome. Identifiers: Orphanet 140162, MedGen C0027672, MeSH D009386, MONDO:0015356.

Submission:

Ambry Genetics
Classification: Pathogenic for Hereditary cancer-predisposing syndrome. Last evaluated: 2025-09-04. Review status: criteria provided, single submitter. Criteria: Ambry Variant Classification Scheme 2023. Collection method: clinical testing. Allele origin: germline.
Comment: The c.4852delC pathogenic mutation, located in coding exon 14 of the BRCA1 gene, results from a deletion of one nucleotide at nucleotide position 4852, causing a translational frameshift with a predicted alternate stop codon (p.H1618Ifs*15). This variant is considered to be rare based on population cohorts in the Genome Aggregation Database (gnomAD). This alteration is expected to result in loss of function by premature protein truncation or nonsense-mediated mRNA decay. As such, this alteration is interpreted as a disease-causing mutation.